The following is an entry in ClinVar:

NM_005787.6(ALG3):c.540G>A (p.Val180=)

Gene: ALG3 (ALG3 alpha-1,3- mannosyltransferase; minus strand). Cytogenetic location: 3q27.1.
Variant type: single nucleotide variant.
Coding change: c.540G>A on transcript NM_005787.6 (MANE Select); coding-DNA position 540, G replaced by A.
Protein change: p.Val180=; no amino-acid change (valine 180 retained).
Molecular consequence: synonymous variant. On other transcripts: non-coding transcript variant (2).
Genome position (GRCh38, 1-based): chr3:184,245,263, C>T on the plus strand (G>A on the coding strand, the complement: ALG3 is on the minus strand). VCF-style: chr3-184245263-C-T. GRCh37 (hg19) VCF-style: chr3-183963051-C-T.
Other names: c.396G>A, p.Val132= (NM_001006941.2); c.435G>A, p.Val145= (NM_001006942.1).
Identifiers: ClinVar variation 3047306 (VCV003047306.2), dbSNP rs369032582, ClinGen allele CA2729506.
Genomic context (GRCh38, chr3:184,245,263, plus strand): 5'-AAAGCAGCAACCCCAGCCCCAGCGCTGGGCCAGCAGGAGGTTGATACTGAGGAAGAGCAG[C>T]ACCATGGCCACTGGGTCATTGAAGAGCCGCAGCACAAAGATGGAGTGGACACGGTAAGAG-3'
Protein context (NP_005778.1, residues 170-190): LRLFNDPVAM[Val180=]LLFLSINLLL

ClinVar aggregate classification (germline): Likely benign (0 of 4 stars; one submission).

Conditions:
ALG3-related disorder. Also called: ALG3-related condition.

Allele frequency attached by ClinVar (database versions not stated): ESP Exome Variant Server 0.00008.
gnomAD v4.1: 1 of 1,613,652 alleles (0.000062%); highest among the groups gnomAD compares: African/African-American, 0.0013%; no homozygotes.

Submission:

PreventionGenetics, part of Exact Sciences
Classification: Likely benign for ALG3-related condition. Last evaluated: 2020-03-27. Review status: no assertion criteria provided. Collection method: clinical testing. Allele origin: germline.
Comment: This variant is classified as likely benign based on ACMG/AMP sequence variant interpretation guidelines (Richards et al. 2015 PMID: 25741868, with internal and published modifications).